The following is an entry in ClinVar:

ClinVar aggregate classification (germline): Uncertain significance (1 of 4 stars; one submission).

gnomAD v4.1: 1 of 1,613,966 alleles (0.000062%); no homozygotes.

Submission:

Labcorp Genetics (formerly Invitae), Labcorp
Classification: Uncertain significance. Last evaluated: 2025-07-27. Review status: criteria provided, single submitter. Criteria: Invitae Variant Classification Sherloc (09022015). Collection method: clinical testing. Allele origin: germline.
Comment: This sequence change replaces aspartic acid, which is acidic and polar, with tyrosine, which is neutral and polar, at codon 244 of the FZD4 protein (p.Asp244Tyr). This variant is not present in population databases (gnomAD no frequency). This missense change has been observed in individual(s) with familial exudative vitreoretinopathy (PMID: 38280677). ClinVar contains an entry for this variant (Variation ID: 3664773). Invitae Evidence Modeling of protein sequence and biophysical properties (such as structural, functional, and spatial information, amino acid conservation, physicochemical variation, residue mobility, and thermodynamic stability) indicates that this missense variant is not expected to disrupt FZD4 protein function with a negative predictive value of 80%. In summary, the available evidence is currently insufficient to determine the role of this variant in disease. Therefore, it has been classified as a Variant of Uncertain Significance.

Literature cited by the submitters: PubMed 38280677.

NM_012193.4(FZD4):c.730G>T (p.Asp244Tyr)

Genes: FZD4 (frizzled class receptor 4; minus strand), PRSS23 (serine protease 23; plus strand). Cytogenetic location: 11q14.2.
Variant type: single nucleotide variant.
Coding change: c.730G>T on transcript NM_012193.4 (MANE Select); coding-DNA position 730, G replaced by T.
Protein change: p.Asp244Tyr; replaces aspartic acid 244 with tyrosine.
Molecular consequence: missense variant. On other transcripts: non-coding transcript variant (2).
Genome position (GRCh38, 1-based): chr11:86,952,026, C>A on the plus strand (G>T on the coding strand, the complement: FZD4 is on the minus strand). VCF-style: chr11-86952026-C-A. GRCh37 (hg19) VCF-style: chr11-86663068-C-A.
Other names: short protein forms D244Y.
Identifiers: ClinVar variation 3664773 (VCV003664773.2).